The following is an entry in ClinVar:

ClinVar aggregate classification (germline): Likely pathogenic (1 of 4 stars; one submission).

Submission:

CeGaT Center for Human Genetics Tuebingen
Classification: Likely pathogenic. Last evaluated: 2024-02-01. Review status: criteria provided, single submitter. Criteria: CeGaT Center For Human Genetics Tuebingen Variant Classification Criteria Version 2. Collection method: clinical testing. Allele origin: germline. Affected: yes. Observed: 1 variant allele.
Comment: PRX: PVS1:Strong, PM2

NM_181882.3(PRX):c.2499del (p.Leu834fs)

Gene: PRX (periaxin; minus strand). Cytogenetic location: 19q13.2.
Variant type: Deletion.
Coding change: c.2499del on transcript NM_181882.3 (MANE Select); coding-DNA position 2499, one base deleted (A; older notation c.2499delA).
Protein change: p.Leu834fs; shifts the reading frame from leucine 834.
Molecular consequence: frameshift variant. On other transcripts: 3 prime UTR variant (1).
Genome position (GRCh38, 1-based): chr19:40,395,853, T deleted on the plus strand (A on the coding strand, the reverse complement: PRX is on the minus strand). VCF-style (leftmost placement, unchanged base first): chr19-40395852-GT-G. GRCh37 (hg19) VCF-style: chr19-40901759-GT-G.
Other names: c.2784del, p.Leu929fs (NM_001411127.1); c.*2704del (NM_020956.2); short protein forms L834fs, L929fs.
Identifiers: ClinVar variation 3027231 (VCV003027231.22), dbSNP rs2514803170, ClinGen allele CA2740090986.
Genomic context (GRCh38, chr19:40,395,852, plus strand): 5'-GAGTGAGAGAGGGGACACCCACATGAGCCTCACCATCCACCTCTGGCTGCAGACAGGGAA[GT>G]GTTACCAGCTTCCCTGAGACCTCAGCACCCGCCTCGCCTGGCTTGCCACGTGATGGGGAC-3'